The following is an entry in ClinVar:

NM_000063.6(C2):c.954G>C (p.Glu318Asp)

Genes: C2 (complement C2; plus strand), C2-AS1 (C2 antisense RNA 1; minus strand). Cytogenetic location: 6p21.33.
Variant type: single nucleotide variant.
Coding change: c.954G>C on transcript NM_000063.6 (MANE Select); coding-DNA position 954, G replaced by C.
Protein change: p.Glu318Asp; replaces glutamic acid 318 with aspartic acid.
Molecular consequence: missense variant. On other transcripts: intron variant (1).
Genome position (GRCh38, 1-based): chr6:31,936,027, G>C. VCF-style: chr6-31936027-G-C. GRCh37 (hg19) VCF-style: chr6-31903804-G-C.
Other names: C2, GLU318ASP; c.558G>C, p.Glu186Asp (NM_001145903.3); c.216G>C, p.Glu72Asp (NM_001282457.2); c.867G>C, p.Glu289Asp (NM_001282458.2); c.347-1292G>C (NM_001178063.3); short protein forms E318D, E72D, E186D, E289D.
Identifiers: ClinVar variation 12130 (VCV000012130.29), dbSNP rs9332739, ClinGen allele CA121908.
Genomic context (GRCh38, chr6:31,936,027, plus strand): 5'-TGCCTCAGAGCCCAAAGTCCTCATGTCTGTCCTGAACGACAACTCCCGGGATATGACTGA[G>C]GTGATCAGCAGCCTGGAAAATGCCAACTATAAAGGTACGGGTGTCATCACGTGATGGTGA-3'
Protein context (NP_000054.2, residues 308-328): VLNDNSRDMT[Glu318Asp]VISSLENANY

ClinVar aggregate classification (germline): Benign/Likely benign. Review status: criteria provided, multiple submitters, no conflicts (2 of 4 stars). 15 submissions from 14 submitters: Benign (5); Likely benign (6). 4 of the submissions do not count toward it. Last evaluated 2026-02-03.

Conditions:
Complement component 2 deficiency (C2D). Also called: C2 deficiency. Identifiers: MedGen C0398756, MONDO:0009006, OMIM 217000.
Age related macular degeneration 14. Also called: MACULAR DEGENERATION, AGE-RELATED, 14, REDUCED RISK OF. Identifiers: MedGen C3809653, MONDO:0014207, OMIM 615489.

Allele frequency attached by ClinVar (database versions not stated): 1000 Genomes Project 30x 0.02904; 1000 Genomes Project 0.02975; TOPMed 0.03030; gnomAD 0.03307 and 0.03401; ExAC 0.03896.
gnomAD v4.1: 67,705 of 1,612,940 alleles (4.2%); highest among the groups gnomAD compares: South Asian, 5.2%; 1,540 homozygotes.

Submissions (15):

Labcorp Genetics (formerly Invitae), Labcorp
Classification: Benign. Last evaluated: 2026-02-03. Review status: criteria provided, single submitter. Criteria: Invitae Variant Classification Sherloc (09022015). Collection method: clinical testing. Allele origin: germline.

Women's Health and Genetics/Laboratory Corporation of America, LabCorp
Classification: Likely benign. Last evaluated: 2026-01-21. Review status: criteria provided, single submitter. Criteria: LabCorp Variant Classification Summary - May 2015. Collection method: clinical testing. Allele origin: germline.

Blueprint Genetics
Classification: Likely benign. Last evaluated: 2024-11-26. Review status: criteria provided, single submitter. Criteria: ACMG Guidelines, 2015. Collection method: clinical testing. Allele origin: germline.

Mayo Clinic Laboratories, Mayo Clinic
Classification: Benign. Last evaluated: 2023-09-20. Review status: criteria provided, single submitter. Criteria: ACMG Guidelines, 2015. Collection method: clinical testing. Allele origin: germline. Observed: 47 variant alleles.
Comment: BA1, BS2

Fulgent Genetics
Classification: Likely benign for Complement component 2 deficiency; Age related macular degeneration 14. Last evaluated: 2022-04-09. Review status: criteria provided, single submitter. Criteria: ACMG Guidelines, 2015. Collection method: clinical testing. Allele origin: unknown.

GeneDx
Classification: Benign. Last evaluated: 2020-07-20. Review status: criteria provided, single submitter. Criteria: GeneDx Variant Classification Process June 2021. Collection method: clinical testing. Allele origin: germline. Affected: yes.
Comment: This variant is associated with the following publications: (PMID: 9670930, 22610944, 25525159, 32113979, 16936732, 16518403)

Mendelics
Classification: Benign for Complement component 2 deficiency. Last evaluated: 2019-05-28. Review status: criteria provided, single submitter. Criteria: Mendelics Assertion Criteria 2017. Collection method: clinical testing. Allele origin: unknown.

Illumina Laboratory Services, Illumina
Classification: Likely benign for Age related macular degeneration 14. Last evaluated: 2017-04-27. Review status: criteria provided, single submitter. Criteria: ICSL Variant Classification Criteria 13 December 2019. Collection method: clinical testing. Allele origin: germline.
Comment: This variant was observed as part of a predisposition screen in an ostensibly healthy population. A literature search was performed for the gene, cDNA change, and amino acid change (where applicable). Publications were found based on this search. The evidence from the literature, in combination with allele frequency data from public databases where available, was sufficient to determine this variant is unlikely to cause disease. Therefore, this variant is classified as likely benign.

Illumina Laboratory Services, Illumina
Classification: Likely benign for Complement component 2 deficiency. Last evaluated: 2017-04-27. Review status: criteria provided, single submitter. Criteria: ICSL Variant Classification Criteria 13 December 2019. Collection method: clinical testing. Allele origin: germline.
Comment: This variant was observed as part of a predisposition screen in an ostensibly healthy population. A literature search was performed for the gene, cDNA change, and amino acid change (where applicable). No publications were found based on this search. Allele frequency data from public databases allowed determination this variant is unlikely to cause disease. Therefore, this variant is classified as likely benign.

Laboratory for Molecular Medicine, Mass General Brigham Personalized Medicine
Classification: Benign. Last evaluated: 2016-03-28. Review status: criteria provided, single submitter. Criteria: LMM Criteria. Collection method: clinical testing. Allele origin: germline.
Comment: Variant identified in a genome or exome case(s) and assessed due to predicted null impact of the variant or pathogenic assertions in the literature or databases. Disclaimer: This variant has not undergone full assessment. The following are preliminary notes: MAF

Breakthrough Genomics
Classification: Likely benign. Review status: criteria provided, single submitter. Criteria: ACMG Guidelines, 2015. Collection method: not provided. Allele origin: germline. Inheritance: Autosomal recessive inheritance. Affected: yes.

OMIM
Classification: Pathogenic for MACULAR DEGENERATION, AGE-RELATED, 14, REDUCED RISK OF. Last evaluated: 2006-09-01. Review status: no assertion criteria provided. Collection method: literature only. Allele origin: germline. Not counted in ClinVar's aggregate classification.

Diagnostic Laboratory, Department of Genetics, University Medical Center Groningen
Classification: Benign. Review status: no assertion criteria provided. Collection method: clinical testing. Allele origin: germline. Affected: yes. Study: VKGL Data-share Consensus. Not counted in ClinVar's aggregate classification.

Genome Diagnostics Laboratory, University Medical Center Utrecht
Classification: Benign. Review status: no assertion criteria provided. Collection method: clinical testing. Allele origin: germline. Affected: yes. Study: VKGL Data-share Consensus. Not counted in ClinVar's aggregate classification.

Joint Genome Diagnostic Labs from Nijmegen and Maastricht, Radboudumc and MUMC+
Classification: Benign. Review status: no assertion criteria provided. Collection method: clinical testing. Allele origin: germline. Affected: yes. Study: VKGL Data-share Consensus. Not counted in ClinVar's aggregate classification.

Literature cited by the submitters: PubMed 16518403 (cited by Mayo Clinic Laboratories, Mayo Clinic and OMIM); PubMed 16936732 (cited by Mayo Clinic Laboratories, Mayo Clinic and OMIM); PubMed 22610944 (cited by Mayo Clinic Laboratories, Mayo Clinic); PubMed 32113979 (cited by Mayo Clinic Laboratories, Mayo Clinic); PubMed 9670930 (cited by 3 submitters).